The following is an entry in ClinVar:

ClinVar aggregate classification (germline): Uncertain significance. Review status: criteria provided, multiple submitters, no conflicts (2 of 4 stars). 2 submissions from 2 submitters: Uncertain significance (2). Last evaluated 2025-03-13.

Conditions:
Hereditary cancer-predisposing syndrome. Also called: Hereditary Cancer Syndrome; Hereditary neoplastic syndrome; Neoplastic Syndromes, Hereditary; Tumor predisposition. Identifiers: Orphanet 140162, MedGen C0027672, MeSH D009386, MONDO:0015356.
Gastrointestinal stromal tumor. Also called: Gastrointestinal stromal tumor, somatic; Gastrointestinal stroma tumor. Identifiers: Orphanet 44890, MedGen C0238198, MeSH D046152, MONDO:0011719, OMIM 606764, HP:0100723.

Submissions (2):

Labcorp Genetics (formerly Invitae), Labcorp
Classification: Uncertain significance for Gastrointestinal stromal tumor. Last evaluated: 2025-03-13. Review status: criteria provided, single submitter. Criteria: Invitae Variant Classification Sherloc (09022015). Collection method: clinical testing. Allele origin: germline.
Comment: This sequence change replaces aspartic acid, which is acidic and polar, with glutamic acid, which is acidic and polar, at codon 985 of the PDGFRA protein (p.Asp985Glu). This variant is not present in population databases (gnomAD no frequency). This variant has not been reported in the literature in individuals affected with PDGFRA-related conditions. ClinVar contains an entry for this variant (Variation ID: 2562567). Invitae Evidence Modeling of protein sequence and biophysical properties (such as structural, functional, and spatial information, amino acid conservation, physicochemical variation, residue mobility, and thermodynamic stability) indicates that this missense variant is not expected to disrupt PDGFRA protein function with a negative predictive value of 80%. In summary, the available evidence is currently insufficient to determine the role of this variant in disease. Therefore, it has been classified as a Variant of Uncertain Significance.

Ambry Genetics
Classification: Uncertain significance for Hereditary cancer-predisposing syndrome. Last evaluated: 2023-03-26. Review status: criteria provided, single submitter. Criteria: Ambry Variant Classification Scheme 2023. Collection method: clinical testing. Allele origin: germline.
Comment: The p.D985E variant (also known as c.2955C>G), located in coding exon 21 of the PDGFRA gene, results from a C to G substitution at nucleotide position 2955. The aspartic acid at codon 985 is replaced by glutamic acid, an amino acid with highly similar properties. This amino acid position is conserved. In addition, the in silico prediction for this alteration is inconclusive. Since supporting evidence is limited at this time, the clinical significance of this alteration remains unclear.

NM_006206.6(PDGFRA):c.2955C>G (p.Asp985Glu)

Gene: PDGFRA (platelet derived growth factor receptor alpha; plus strand). Cytogenetic location: 4q12.
Variant type: single nucleotide variant.
Coding change: c.2955C>G on transcript NM_006206.6 (MANE Select); coding-DNA position 2955, C replaced by G.
Protein change: p.Asp985Glu; replaces aspartic acid 985 with glutamic acid.
Molecular consequence: missense variant.
Genome position (GRCh38, 1-based): chr4:54,290,387, C>G. VCF-style: chr4-54290387-C-G. GRCh37 (hg19) VCF-style: chr4-55156554-C-G.
Other names: c.3030C>G, p.Asp1010Glu (NM_001347828.2); c.2955C>G, p.Asp985Glu (NM_001347829.2); c.2994C>G, p.Asp998Glu (NM_001347830.2); short protein forms D985E, D998E, D1010E.
Identifiers: ClinVar variation 2562567 (VCV002562567.4), dbSNP rs761412533, ClinGen allele CA356896065.